The following is an entry in ClinVar:

ClinVar aggregate classification (germline): Uncertain significance (1 of 4 stars; one submission).

Submission:

GeneDx
Classification: Uncertain significance. Last evaluated: 2026-03-28. Review status: criteria provided, single submitter. Criteria: GeneDx Variant Classification Process June 2021. Collection method: clinical testing. Allele origin: germline.
Comment: Not observed at significant frequency in large population cohorts (gnomAD); In silico analysis supports that this missense variant has a deleterious effect on protein structure/function; Has not been previously published as pathogenic or benign to our knowledge

NM_001379291.1(BRD4):c.2723C>T (p.Pro908Leu)

Gene: BRD4 (bromodomain containing 4; minus strand). Cytogenetic location: 19p13.12.
Variant type: single nucleotide variant.
Coding change: c.2723C>T on transcript NM_001379291.1 (MANE Select); coding-DNA position 2723, C replaced by T.
Protein change: p.Pro908Leu; replaces proline 908 with leucine.
Molecular consequence: missense variant.
Genome position (GRCh38, 1-based): chr19:15,243,346, G>A on the plus strand (C>T on the coding strand, the complement: BRD4 is on the minus strand). VCF-style: chr19-15243346-G-A. GRCh37 (hg19) VCF-style: chr19-15354157-G-A.
Other names: c.2723C>T, p.Pro908Leu (NM_058243.3); short protein forms P908L.
Identifiers: ClinVar variation 5017484 (VCV005017484.1).